The following is an entry in ClinVar:

NM_001282531.3(ADNP):c.369A>T (p.Thr123=)

Gene: ADNP (activity dependent neuroprotector homeobox; minus strand). Cytogenetic location: 20q13.13.
Variant type: single nucleotide variant.
Coding change: c.369A>T on transcript NM_001282531.3 (MANE Select); coding-DNA position 369, A replaced by T.
Protein change: p.Thr123=; no amino-acid change (threonine 123 retained).
Molecular consequence: synonymous variant.
Genome position (GRCh38, 1-based): chr20:50,894,345, T>A on the plus strand (A>T on the coding strand, the complement: ADNP is on the minus strand). VCF-style: chr20-50894345-T-A. GRCh37 (hg19) VCF-style: chr20-49510882-T-A.
Other names: c.369A>T, p.Thr123= (NM_001282532.2, NM_001347511.2, NM_015339.5 and 1 more transcripts).
Identifiers: ClinVar variation 2127673 (VCV002127673.4), dbSNP rs770381831, ClinGen allele CA511022797.

ClinVar aggregate classification (germline): Uncertain significance (1 of 4 stars; one submission).

gnomAD v4.1: 1 of 1,613,774 alleles (0.000062%); highest among the groups gnomAD compares: Admixed American, 0.0017%; no homozygotes.

Submission:

Labcorp Genetics (formerly Invitae), Labcorp
Classification: Uncertain significance. Last evaluated: 2022-07-21. Review status: criteria provided, single submitter. Criteria: Invitae Variant Classification Sherloc (09022015). Collection method: clinical testing. Allele origin: germline.
Comment: This sequence change affects codon 123 of the ADNP mRNA. It is a 'silent' change, meaning that it does not change the encoded amino acid sequence of the ADNP protein. This variant is present in population databases (no rsID available, gnomAD 0.003%). This variant has not been reported in the literature in individuals affected with ADNP-related conditions. In summary, the available evidence is currently insufficient to determine the role of this variant in disease. Therefore, it has been classified as a Variant of Uncertain Significance.